The following is an entry in ClinVar:

ClinVar aggregate classification (germline): Pathogenic. Review status: reviewed by expert panel (3 of 4 stars). 4 submissions from 4 submitters: Pathogenic (1). 3 of the submissions do not count toward it. Last evaluated 2017-12-15.

Conditions:
Hereditary breast ovarian cancer syndrome. Also called: Hereditary breast and ovarian cancer syndrome; Hereditary breast and ovarian cancer; Hereditary breast and ovarian cancer syndrome (HBOC); Breast and ovarian cancer; Hereditary breast and/or ovarian cancer syndrome; BRCA1- and BRCA2-Associated Hereditary Breast and Ovarian Cancer. Identifiers: Orphanet 145, MedGen C0677776, MeSH D061325, MONDO:0003582. Disease mechanism: loss of function.
Breast-ovarian cancer, familial, susceptibility to, 2 (BROVCA2). Also called: BRCA2 Hereditary Breast and Ovarian Cancer. Identifiers: Orphanet 145, MedGen C2675520, MONDO:0012933, OMIM 612555. Disease mechanism: loss of function.
Hereditary cancer-predisposing syndrome. Also called: Tumor predisposition; Hereditary neoplastic syndrome; Neoplastic Syndromes, Hereditary; Hereditary Cancer Syndrome. Identifiers: Orphanet 140162, MedGen C0027672, MeSH D009386, MONDO:0015356.

Allele frequency attached by ClinVar (database versions not stated): gnomAD exomes below 0.00001.
gnomAD v4.1: 1 of 1,613,594 alleles (0.000062%); highest among the groups gnomAD compares: South Asian, 0.0011%; no homozygotes.

Submissions (4):

Evidence-based Network for the Interpretation of Germline Mutant Alleles (ENIGMA)
Classification: Pathogenic for Breast-ovarian cancer, familial, susceptibility to, 2. Last evaluated: 2017-12-15. Review status: reviewed by expert panel. Criteria: ENIGMA BRCA1/2 Classification Criteria (2017-06-29). Collection method: curation. Allele origin: germline. Study: ENIGMA.
Comment: Variant allele predicted to encode a truncated non-functional protein.

Women's Health and Genetics/Laboratory Corporation of America, LabCorp
Classification: Pathogenic for Hereditary breast ovarian cancer syndrome. Last evaluated: 2026-06-03. Review status: criteria provided, single submitter. Criteria: LabCorp Variant Classification Summary - May 2015. Collection method: clinical testing. Allele origin: germline. Not counted in ClinVar's aggregate classification.
Comment: Variant summary: BRCA2 c.3376G>T (p.Glu1126X) results in a premature termination codon, predicted to cause a truncation of the encoded protein or absence of the protein due to nonsense mediated decay, which are commonly known mechanisms for disease. The variant was absent in 249982 control chromosomes. To our knowledge, no occurrence of c.3376G>T in individuals affected with BRCA2-related conditions and no experimental evidence demonstrating its impact on protein function have been reported. ClinVar contains an entry for this variant (Variation ID: 438970). Based on the evidence outlined above, the variant was classified as pathogenic.

Ambry Genetics
Classification: Pathogenic for Hereditary cancer-predisposing syndrome. Last evaluated: 2024-12-03. Review status: criteria provided, single submitter. Criteria: Ambry Variant Classification Scheme 2023. Collection method: clinical testing. Allele origin: germline. Not counted in ClinVar's aggregate classification.
Comment: The p.E1126* pathogenic mutation (also known as c.3376G>T), located in coding exon 10 of the BRCA2 gene, results from a G to T substitution at nucleotide position 3376. This changes the amino acid from a glutamic acid to a stop codon within coding exon 10. This variant is considered to be rare based on population cohorts in the Genome Aggregation Database (gnomAD). This alteration is expected to result in loss of function by premature protein truncation or nonsense-mediated mRNA decay. As such, this alteration is interpreted as a disease-causing mutation.

Quest Diagnostics Nichols Institute San Juan Capistrano
Classification: Likely pathogenic. Last evaluated: 2017-07-18. Review status: criteria provided, single submitter. Criteria: Quest Diagnostics criteria. Collection method: clinical testing. Allele origin: germline. Not counted in ClinVar's aggregate classification.

NM_000059.4(BRCA2):c.3376G>T (p.Glu1126Ter)

Gene: BRCA2 (BRCA2 DNA repair associated; plus strand). Cytogenetic location: 13q13.1.
Variant type: single nucleotide variant.
Coding change: c.3376G>T on transcript NM_000059.4 (MANE Select); coding-DNA position 3376, G replaced by T.
Protein change: p.Glu1126Ter; replaces glutamic acid 1126 with a stop codon.
Molecular consequence: nonsense.
Genome position (GRCh38, 1-based): chr13:32,337,731, G>T. VCF-style: chr13-32337731-G-T. GRCh37 (hg19) VCF-style: chr13-32911868-G-T.
Other names: short protein forms E1126*.
Identifiers: ClinVar variation 438970 (VCV000438970.4), dbSNP rs1555283206, ClinGen allele CA387776416.